The following is an entry in ClinVar:

NM_000245.4(MET):c.3986C>G (p.Ser1329Cys)

Gene: MET (MET proto-oncogene, receptor tyrosine kinase; plus strand). Cytogenetic location: 7q31.2.
Variant type: single nucleotide variant.
Coding change: c.3986C>G on transcript NM_000245.4 (MANE Select); coding-DNA position 3986, C replaced by G.
Protein change: p.Ser1329Cys; replaces serine 1329 with cysteine.
Molecular consequence: missense variant.
Genome position (GRCh38, 1-based): chr7:116,795,937, C>G. VCF-style: chr7-116795937-C-G. GRCh37 (hg19) VCF-style: chr7-116435991-C-G.
Other names: c.4040C>G, p.Ser1347Cys (NM_001127500.3); c.2696C>G, p.Ser899Cys (NM_001324402.2); short protein forms S1329C, S1347C, S899C.
Identifiers: ClinVar variation 837737 (VCV000837737.11), dbSNP rs1398543726, ClinGen allele CA369118159.
Genomic context (GRCh38, chr7:116,795,937, plus strand): 5'-TTTGGAACAGATATGAAGTAATGCTAAAATGCTGGCACCCTAAAGCCGAAATGCGCCCAT[C>G]CTTTTCTGAACTGGTGTCCCGGATATCAGCGATCTTCTCTACTTTCATTGGGGAGCACTA-3'
Protein context (NP_000236.2, residues 1319-1339): CWHPKAEMRP[Ser1329Cys]FSELVSRISA

ClinVar aggregate classification (germline): Uncertain significance. Review status: criteria provided, multiple submitters, no conflicts (2 of 4 stars). 2 submissions from 2 submitters: Uncertain significance (2). Last evaluated 2026-04-18.

Conditions:
Renal cell carcinoma. Identifiers: Orphanet 217071, MedGen C0007134, MeSH D002292, MONDO:0005086, HP:0005584.
Hereditary cancer-predisposing syndrome. Also called: Tumor predisposition; Neoplastic Syndromes, Hereditary; Hereditary neoplastic syndrome; Hereditary Cancer Syndrome. Identifiers: Orphanet 140162, MedGen C0027672, MeSH D009386, MONDO:0015356.

Allele frequency attached by ClinVar (database versions not stated): gnomAD exomes below 0.00001.
gnomAD v4.1: 2 of 1,614,186 alleles (0.00012%); highest among the groups gnomAD compares: Non-Finnish European, 0.00017%; no homozygotes.

Submissions (2):

Ambry Genetics
Classification: Uncertain significance for Hereditary cancer-predisposing syndrome. Last evaluated: 2026-04-18. Review status: criteria provided, single submitter. Criteria: Ambry Variant Classification Scheme 2023. Collection method: clinical testing. Allele origin: germline.
Comment: The p.S1347C variant (also known as c.4040C>G), located in coding exon 20 of the MET gene, results from a C to G substitution at nucleotide position 4040. The serine at codon 1347 is replaced by cysteine, an amino acid with dissimilar properties. This amino acid position is conserved. In addition, the in silico prediction for this alteration is inconclusive. Based on the available evidence, the clinical significance of this variant remains unclear.

Labcorp Genetics (formerly Invitae), Labcorp
Classification: Uncertain significance for Renal cell carcinoma. Last evaluated: 2020-10-03. Review status: criteria provided, single submitter. Criteria: Invitae Variant Classification Sherloc (09022015). Collection method: clinical testing. Allele origin: germline.
Comment: Algorithms developed to predict the effect of missense changes on protein structure and function are either unavailable or do not agree on the potential impact of this missense change (SIFT: "Deleterious"; PolyPhen-2: "Possibly Damaging"; Align-GVGD: "Class C15"). This variant has not been reported in the literature in individuals with MET-related conditions. This variant is not present in population databases (ExAC no frequency). This sequence change replaces serine with cysteine at codon 1347 of the MET protein (p.Ser1347Cys). The serine residue is moderately conserved and there is a moderate physicochemical difference between serine and cysteine. In summary, the available evidence is currently insufficient to determine the role of this variant in disease. Therefore, it has been classified as a Variant of Uncertain Significance.